The following is an entry in ClinVar:

NC_000014.9:g.(?_34712845)_(34714560_?)del

Genes: CFL2 (cofilin 2; minus strand), LOC130055474 (ATAC-STARR-seq lymphoblastoid silent region 5667; plus strand), LOC130055475 (ATAC-STARR-seq lymphoblastoid silent region 5668; plus strand). Cytogenetic location: 14q13.1.
Variant type: Deletion.
Identifiers: ClinVar variation 583485 (VCV000583485.2).

ClinVar aggregate classification (germline): Pathogenic (1 of 4 stars; one submission).

Conditions:
Nemaline myopathy 7 (NEM7). Also called: Nemaline myopathy 7, autosomal recessive. Identifiers: Orphanet 171436, MedGen C1853154, MONDO:0012538, OMIM 610687.

Submission:

Labcorp Genetics (formerly Invitae), Labcorp
Classification: Pathogenic for Nemaline myopathy 7. Last evaluated: 2019-05-10. Review status: criteria provided, single submitter. Criteria: Invitae Variant Classification Sherloc (09022015). Collection method: clinical testing. Allele origin: germline.
Comment: A gross deletion of the genomic region encompassing the full coding sequence of the CFL2 gene has been identified. The boundaries of this event are unknown as the deletion extends beyond the assayed region for this gene and therefore may encompass additional genes. Loss-of-function variants in CFL2 are known to be pathogenic (PMID: 24610938, 27447704, 29457652). For these reasons, this variant has been classified as Pathogenic.